The following is an entry in ClinVar:

NM_000388.4(CASR):c.1861G>C (p.Val621Leu)

Gene: CASR (calcium sensing receptor; plus strand). Cytogenetic location: 3q21.1.
Variant type: single nucleotide variant.
Coding change: c.1861G>C on transcript NM_000388.4 (MANE Select); coding-DNA position 1861, G replaced by C.
Protein change: p.Val621Leu; replaces valine 621 with leucine.
Molecular consequence: missense variant.
Genome position (GRCh38, 1-based): chr3:122,283,815, G>C. VCF-style: chr3-122283815-G-C. GRCh37 (hg19) VCF-style: chr3-122002662-G-C.
Other names: c.1891G>C, p.Val631Leu (NM_001178065.2); short protein forms V621L, V631L.
Identifiers: ClinVar variation 2933248 (VCV002933248.3), dbSNP rs751538967, ClinGen allele CA354157697.

ClinVar aggregate classification (germline): Uncertain significance (1 of 4 stars; one submission).

Conditions:
Autosomal dominant hypocalcemia 1 (HYPOC1). Also called: HYPOCALCEMIA, FAMILIAL. Identifiers: MedGen C3715128, MONDO:0011013, OMIM 601198.
Familial hypocalciuric hypercalcemia (FHH). Also called: Familial benign hypercalcemia. Identifiers: Orphanet 405, MedGen C1809471, MONDO:0018458.

Submission:

Labcorp Genetics (formerly Invitae), Labcorp
Classification: Uncertain significance for Familial hypocalciuric hypercalcemia; Autosomal dominant hypocalcemia 1. Last evaluated: 2023-07-19. Review status: criteria provided, single submitter. Criteria: Invitae Variant Classification Sherloc (09022015). Collection method: clinical testing. Allele origin: germline.
Comment: This variant is not present in population databases (gnomAD no frequency). This sequence change replaces valine, which is neutral and non-polar, with leucine, which is neutral and non-polar, at codon 621 of the CASR protein (p.Val621Leu). This variant has not been reported in the literature in individuals affected with CASR-related conditions. An algorithm developed to predict the effect of missense changes on protein structure and function (PolyPhen-2) suggests that this variant is likely to be tolerated. In summary, the available evidence is currently insufficient to determine the role of this variant in disease. Therefore, it has been classified as a Variant of Uncertain Significance.